The following is an entry in ClinVar:

NM_001368894.2(PAX6):c.-122dup

Gene: PAX6 (paired box 6; minus strand). Cytogenetic location: 11p13.
Variant type: Duplication.
Coding change: c.-122dup on transcript NM_001368894.2 (MANE Select); 122 bases upstream of the start codon, one base duplicated (G; older notation c.-122dupG).
Molecular consequence: 5 prime UTR variant. On other transcripts: non-coding transcript variant (2), intron variant (2).
Genome position (GRCh38, 1-based): chr11:31,806,919, C duplicated on the plus strand (G on the coding strand, the reverse complement: PAX6 is on the minus strand). VCF-style (leftmost placement, unchanged base first): chr11-31806918-T-TC. GRCh37 (hg19) VCF-style: chr11-31828466-T-TC.
Other names: c.-122dup (NM_001368917.2, NM_001368918.2, NM_001368919.2 and 30 more transcripts); c.-268+3909dup (NM_001368909.2); c.13+3909dup (NM_001368911.2); c.-399dup (NM_001368904.2); c.-903dup (NM_001368905.2); c.-22dup (NM_001368910.2).
Identifiers: ClinVar variation 987748 (VCV000987748.5), dbSNP rs2135311510, ClinGen allele CA2499220930.

ClinVar aggregate classification (germline): Likely pathogenic (0 of 4 stars; one submission).

Conditions:
Aniridia 1 (AN1). Identifiers: Orphanet 250923, MedGen C0344542, MONDO:0024507, OMIM 106210.

Submission:

Laboratory of Genetic Epidemiology, Research Centre for Medical Genetics
Classification: Likely pathogenic for Aniridia 1. Last evaluated: 2020-11-30. Review status: no assertion criteria provided. Collection method: clinical testing. Allele origin: de novo. Inheritance: Sporadic. Affected: yes. Observed: 1 heterozygote.
Comment: PP3, PS3, PM2, PS3, PS2, PP4